The following is an entry in ClinVar:

ClinVar aggregate classification (germline): Likely pathogenic (1 of 4 stars; one submission).

Submission:

Labcorp Genetics (formerly Invitae), Labcorp
Classification: Likely pathogenic. Last evaluated: 2025-03-07. Review status: criteria provided, single submitter. Criteria: Invitae Variant Classification Sherloc (09022015). Collection method: clinical testing. Allele origin: germline.
Comment: This sequence change creates a premature translational stop signal (p.Glu666Serfs*11) in the COL10A1 gene. While this is not anticipated to result in nonsense mediated decay, it is expected to disrupt the last 6 amino acid(s) of the COL10A1 protein. This variant is not present in population databases (gnomAD no frequency). This variant has not been reported in the literature in individuals affected with COL10A1-related conditions. This variant is located in a region of the COL10A1 protein where a significant number of COL10A1 nonsense and frameshift mutations have been reported in association with autosomal dominant metaphyseal chondrodysplasia (PMID: 21447328, 33764685, 36400164). In summary, the currently available evidence indicates that the variant is pathogenic, but additional data are needed to prove that conclusively. Therefore, this variant has been classified as Likely Pathogenic.

Literature cited by the submitters: PubMed 21447328; PubMed 33764685; PubMed 36400164.

NM_000493.4(COL10A1):c.1995del (p.Glu666fs)

Genes: COL10A1 (collagen type X alpha 1 chain; minus strand), NT5DC1 (5'-nucleotidase domain containing 1; plus strand). Cytogenetic location: 6q22.1.
Variant type: Deletion.
Coding change: c.1995del on transcript NM_000493.4 (MANE Select); coding-DNA position 1995, one base deleted (T; older notation c.1995delT).
Protein change: p.Glu666fs; shifts the reading frame from glutamic acid 666.
Molecular consequence: frameshift variant. On other transcripts: intron variant (1).
Genome position (GRCh38, 1-based): chr6:116,120,121, A deleted on the plus strand (T on the coding strand, the reverse complement: COL10A1 is on the minus strand). VCF-style (leftmost placement, unchanged base first): chr6-116120120-CA-C. GRCh37 (hg19) VCF-style: chr6-116441283-CA-C.
Other names: c.1995del, p.Glu666fs (NM_001424106.1, NM_001424107.1); c.529+2176del (NM_152729.3); short protein forms E666fs.
Identifiers: ClinVar variation 4714615 (VCV004714615.1).